The following is an entry in ClinVar:

ClinVar aggregate classification (germline): Uncertain significance (1 of 4 stars; one submission).

Conditions:
Adams-Oliver syndrome 5 (AOS5). Identifiers: Orphanet 974, MedGen C4014970, MONDO:0014459, OMIM 616028.

Allele frequency attached by ClinVar (database versions not stated): TOPMed 0.00001.

Submission:

Labcorp Genetics (formerly Invitae), Labcorp
Classification: Uncertain significance for Adams-Oliver syndrome 5. Last evaluated: 2023-06-10. Review status: criteria provided, single submitter. Criteria: Invitae Variant Classification Sherloc (09022015). Collection method: clinical testing. Allele origin: germline.
Comment: This sequence change replaces cysteine, which is neutral and slightly polar, with glycine, which is neutral and non-polar, at codon 1244 of the NOTCH1 protein (p.Cys1244Gly). This variant is not present in population databases (gnomAD no frequency). This variant has not been reported in the literature in individuals affected with NOTCH1-related conditions. Advanced modeling of protein sequence and biophysical properties (such as structural, functional, and spatial information, amino acid conservation, physicochemical variation, residue mobility, and thermodynamic stability) has been performed at Invitae for this missense variant, however the output from this modeling did not meet the statistical confidence thresholds required to predict the impact of this variant on NOTCH1 protein function. In summary, the available evidence is currently insufficient to determine the role of this variant in disease. Therefore, it has been classified as a Variant of Uncertain Significance.

NM_017617.5(NOTCH1):c.3730T>G (p.Cys1244Gly)

Gene: NOTCH1 (notch receptor 1; minus strand). Cytogenetic location: 9q34.3.
Variant type: single nucleotide variant.
Coding change: c.3730T>G on transcript NM_017617.5 (MANE Select); coding-DNA position 3730, T replaced by G.
Protein change: p.Cys1244Gly; replaces cysteine 1244 with glycine.
Molecular consequence: missense variant.
Genome position (GRCh38, 1-based): chr9:136,506,887, A>C on the plus strand (T>G on the coding strand, the complement: NOTCH1 is on the minus strand). VCF-style: chr9-136506887-A-C. GRCh37 (hg19) VCF-style: chr9-139401339-A-C.
Other names: short protein forms C1244G.
Identifiers: ClinVar variation 2724973 (VCV002724973.3), dbSNP rs1843095358, ClinGen allele CA375549464.